The following is an entry in ClinVar:

NM_000321.3(RB1):c.115C>T (p.Pro39Ser)

Gene: RB1 (RB transcriptional corepressor 1; plus strand). Cytogenetic location: 13q14.2.
Variant type: single nucleotide variant.
Coding change: c.115C>T on transcript NM_000321.3 (MANE Select); coding-DNA position 115, C replaced by T.
Protein change: p.Pro39Ser; replaces proline 39 with serine.
Molecular consequence: missense variant.
Genome position (GRCh38, 1-based): chr13:48,304,027, C>T. VCF-style: chr13-48304027-C-T. GRCh37 (hg19) VCF-style: chr13-48878163-C-T.
Other names: c.115C>T, p.Pro39Ser (NM_001407165.1, NM_001407166.1, NM_001407167.1); short protein forms P39S.
Identifiers: ClinVar variation 3231182 (VCV003231182.1), dbSNP rs2138027915, ClinGen allele CA388250360.

ClinVar aggregate classification (germline): Uncertain significance (1 of 4 stars; one submission).

Conditions:
Hereditary cancer-predisposing syndrome. Also called: Neoplastic Syndromes, Hereditary; Tumor predisposition; Hereditary neoplastic syndrome; Hereditary Cancer Syndrome. Identifiers: Orphanet 140162, MedGen C0027672, MeSH D009386, MONDO:0015356.

Submission:

Ambry Genetics
Classification: Uncertain significance for Hereditary cancer-predisposing syndrome. Last evaluated: 2024-01-22. Review status: criteria provided, single submitter. Criteria: Ambry Variant Classification Scheme 2023. Collection method: clinical testing. Allele origin: germline.
Comment: The p.P39S variant (also known as c.115C>T), located in coding exon 1 of the RB1 gene, results from a C to T substitution at nucleotide position 115. The proline at codon 39 is replaced by serine, an amino acid with similar properties. This amino acid position is well conserved in available vertebrate species. In addition, this alteration is predicted to be tolerated by in silico analysis. Based on the available evidence, the clinical significance of this alteration remains unclear.